The following is an entry in ClinVar:

NM_000038.6(APC):c.1829del (p.Asp610fs)

Gene: APC (APC regulator of Wnt signaling pathway; plus strand). Cytogenetic location: 5q22.2.
Variant type: Deletion.
Coding change: c.1829del on transcript NM_000038.6 (MANE Select); coding-DNA position 1829, one base deleted (A; older notation c.1829delA).
Protein change: p.Asp610fs; shifts the reading frame from aspartic acid 610.
Molecular consequence: frameshift variant.
Genome position (GRCh38, 1-based): chr5:112,835,036, A deleted. VCF-style (leftmost placement, unchanged base first): chr5-112835035-GA-G. GRCh37 (hg19) VCF-style: chr5-112170732-GA-G.
Other names: c.1829del, p.Asp610fs (NM_001127510.3, NM_001354895.2); c.1775del, p.Asp592fs (NM_001127511.3); c.1883del, p.Asp628fs (NM_001354896.2); c.1859del, p.Asp620fs (NM_001354897.2); c.1754del, p.Asp585fs (NM_001354898.2); c.1745del, p.Asp582fs (NM_001354899.2); c.1706del, p.Asp569fs (NM_001354900.2); c.1652del, p.Asp551fs (NM_001354901.2); and 5 more; short protein forms D569fs, D582fs, D585fs, D620fs, D484fs, D551fs, D327fs, D509fs.
Identifiers: ClinVar variation 577704 (VCV000577704.13), dbSNP rs1561568510, ClinGen allele CA658760577.

ClinVar aggregate classification (germline): Pathogenic. Review status: criteria provided, multiple submitters, no conflicts (2 of 4 stars). 2 submissions from 2 submitters: Pathogenic (2). Last evaluated 2023-05-03.

Conditions:
Familial adenomatous polyposis 1 (FAP1). Also called: POLYPOSIS, ADENOMATOUS INTESTINAL; FAMILIAL ADENOMATOUS POLYPOSIS 1, ATTENUATED. Identifiers: MedGen C2713442, MONDO:0021056, OMIM 175100. Disease mechanism: loss of function.

Submissions (2):

Myriad Genetics, Inc.
Classification: Pathogenic for Familial adenomatous polyposis 1. Last evaluated: 2023-05-03. Review status: criteria provided, single submitter. Criteria: Myriad Autosomal Dominant, Autosomal Recessive and X-Linked Classification Criteria (2023). Collection method: clinical testing. Allele origin: unknown.
Comment: This variant is considered pathogenic. This variant creates a frameshift predicted to result in premature protein truncation.

Labcorp Genetics (formerly Invitae), Labcorp
Classification: Pathogenic for Familial adenomatous polyposis 1. Last evaluated: 2019-07-04. Review status: criteria provided, single submitter. Criteria: Invitae Variant Classification Sherloc (09022015). Collection method: clinical testing. Allele origin: germline.
Comment: This sequence change creates a premature translational stop signal (p.Asp610Valfs*20) in the APC gene. It is expected to result in an absent or disrupted protein product. This variant is not present in population databases (ExAC no frequency). This variant has been observed in individuals affected with familial adenomatous polyposis (PMID: 19029688). Loss-of-function variants in APC are known to be pathogenic (PMID: 17963004, 20685668). For these reasons, this variant has been classified as Pathogenic.

Literature cited by the submitters: PubMed 19029688 (cited by Labcorp Genetics (formerly Invitae), Labcorp); PubMed 17963004 (cited by Labcorp Genetics (formerly Invitae), Labcorp); PubMed 20685668 (cited by Labcorp Genetics (formerly Invitae), Labcorp).